The following is an entry in ClinVar:

NM_001252102.2(KIF21B):c.1588C>T (p.Pro530Ser)

Gene: KIF21B (kinesin family member 21B; minus strand). Cytogenetic location: 1q32.1.
Variant type: single nucleotide variant.
Coding change: c.1588C>T on transcript NM_001252102.2 (MANE Select); coding-DNA position 1588, C replaced by T.
Protein change: p.Pro530Ser; replaces proline 530 with serine.
Molecular consequence: missense variant.
Genome position (GRCh38, 1-based): chr1:201,000,487, G>A on the plus strand (C>T on the coding strand, the complement: KIF21B is on the minus strand). VCF-style: chr1-201000487-G-A. GRCh37 (hg19) VCF-style: chr1-200969615-G-A.
Other names: c.1588C>T, p.Pro530Ser (NM_001252100.2, NM_001252103.2, NM_017596.4); short protein forms P530S.
Identifiers: ClinVar variation 1698032 (VCV001698032.2), dbSNP rs2102438018, ClinGen allele CA344103344.

ClinVar aggregate classification (germline): Uncertain significance (1 of 4 stars; one submission).

Submission:

GeneDx
Classification: Uncertain significance. Last evaluated: 2022-01-21. Review status: criteria provided, single submitter. Criteria: GeneDx Variant Classification Process June 2021. Collection method: clinical testing. Allele origin: germline. Affected: yes.
Comment: Not observed at significant frequency in large population cohorts (gnomAD); In silico analysis supports that this missense variant does not alter protein structure/function; Has not been previously published as pathogenic or benign to our knowledge